The following is an entry in ClinVar:

ClinVar aggregate classification (germline): Uncertain significance. Review status: criteria provided, single submitter (1 of 4 stars). 2 submissions from 2 submitters: Uncertain significance (1). 1 of the submissions does not count toward it. Last evaluated 2024-08-27.

Conditions:
F8-related disorder. Also called: F8-related condition.

gnomAD v4.1: 21 of 1,209,838 alleles (0.0017%); highest among the groups gnomAD compares: Non-Finnish European, 0.0022%; no homozygotes.

Submissions (2):

Mayo Clinic Laboratories, Mayo Clinic
Classification: Uncertain significance. Last evaluated: 2024-08-27. Review status: criteria provided, single submitter. Criteria: ACMG Guidelines, 2015. Collection method: clinical testing. Allele origin: germline. Observed: 1 variant allele.
Comment: BS2, PM2

PreventionGenetics, part of Exact Sciences
Classification: Uncertain significance for F8-related condition. Last evaluated: 2024-08-05. Review status: no assertion criteria provided. Collection method: clinical testing. Allele origin: germline. Not counted in ClinVar's aggregate classification.
Comment: The F8 c.4658A>G variant is predicted to result in the amino acid substitution p.Lys1553Arg. To our knowledge, this variant has not been reported in the literature. This variant is reported in 0.0012% of alleles in individuals of European (Non-Finnish) descent in gnomAD. At this time, the clinical significance of this variant is uncertain due to the absence of conclusive functional and genetic evidence.

NM_000132.4(F8):c.4658A>G (p.Lys1553Arg)

Gene: F8 (coagulation factor VIII; minus strand). Cytogenetic location: Xq28.
Variant type: single nucleotide variant.
Coding change: c.4658A>G on transcript NM_000132.4 (MANE Select); coding-DNA position 4658, A replaced by G.
Protein change: p.Lys1553Arg; replaces lysine 1553 with arginine.
Molecular consequence: missense variant.
Genome position (GRCh38, 1-based): chrX:154,929,132, T>C on the plus strand (A>G on the coding strand, the complement: F8 is on the minus strand). VCF-style: chrX-154929132-T-C. GRCh37 (hg19) VCF-style: chrX-154157407-T-C.
Other names: p.Lys1553Arg; short protein forms K1553R.
Identifiers: ClinVar variation 3349932 (VCV003349932.2).